The following is an entry in ClinVar:

ClinVar aggregate classification (germline): Uncertain significance. Review status: criteria provided, multiple submitters, no conflicts (2 of 4 stars). 2 submissions from 2 submitters: Uncertain significance (2). Last evaluated 2024-11-25.

Conditions:
Hereditary cancer-predisposing syndrome. Also called: Neoplastic Syndromes, Hereditary; Hereditary Cancer Syndrome; Tumor predisposition; Hereditary neoplastic syndrome. Identifiers: Orphanet 140162, MedGen C0027672, MeSH D009386, MONDO:0015356.
Ataxia-telangiectasia syndrome (AT). Also called: LOUIS-BAR SYNDROME; Cerebello-oculocutaneous telangiectasia; Immunodeficiency with ataxia telangiectasia; Ataxia-telangiectasia, complementation group D; AT, COMPLEMENTATION GROUP C; Ataxia-telangiectasia, complementation group E. Identifiers: Orphanet 100, MedGen C0004135, MONDO:0008840, OMIM 208900.

Submissions (2):

Labcorp Genetics (formerly Invitae), Labcorp
Classification: Uncertain significance for Ataxia-telangiectasia syndrome. Last evaluated: 2024-11-25. Review status: criteria provided, single submitter. Criteria: Invitae Variant Classification Sherloc (09022015). Collection method: clinical testing. Allele origin: germline.
Comment: This sequence change replaces leucine, which is neutral and non-polar, with tryptophan, which is neutral and slightly polar, at codon 2319 of the ATM protein (p.Leu2319Trp). This variant is not present in population databases (gnomAD no frequency). This variant has not been reported in the literature in individuals affected with ATM-related conditions. ClinVar contains an entry for this variant (Variation ID: 453653). Invitae Evidence Modeling of protein sequence and biophysical properties (such as structural, functional, and spatial information, amino acid conservation, physicochemical variation, residue mobility, and thermodynamic stability) has been performed for this missense variant. However, the output from this modeling did not meet the statistical confidence thresholds required to predict the impact of this variant on ATM protein function. In summary, the available evidence is currently insufficient to determine the role of this variant in disease. Therefore, it has been classified as a Variant of Uncertain Significance.

Ambry Genetics
Classification: Uncertain significance for Hereditary cancer-predisposing syndrome. Last evaluated: 2021-05-28. Review status: criteria provided, single submitter. Criteria: Ambry Variant Classification Scheme 2023. Collection method: clinical testing. Allele origin: germline.
Comment: The p.L2319W variant (also known as c.6956T>G), located in coding exon 46 of the ATM gene, results from a T to G substitution at nucleotide position 6956. The leucine at codon 2319 is replaced by tryptophan, an amino acid with similar properties. This amino acid position is highly conserved in available vertebrate species. In addition, the in silico prediction for this alteration is inconclusive. Since supporting evidence is limited at this time, the clinical significance of this alteration remains unclear.

NM_000051.4(ATM):c.6956T>G (p.Leu2319Trp)

Genes: ATM (ATM serine/threonine kinase; plus strand), C11orf65 (chromosome 11 open reading frame 65; minus strand). Cytogenetic location: 11q22.3.
Variant type: single nucleotide variant.
Coding change: c.6956T>G on transcript NM_000051.4 (MANE Select); coding-DNA position 6956, T replaced by G.
Protein change: p.Leu2319Trp; replaces leucine 2319 with tryptophan.
Molecular consequence: missense variant. On other transcripts: intron variant (2).
Genome position (GRCh38, 1-based): chr11:108,326,206, T>G. VCF-style: chr11-108326206-T-G. GRCh37 (hg19) VCF-style: chr11-108196933-T-G.
Other names: c.6956T>G, p.Leu2319Trp (NM_001351834.2); c.641-17135A>C (NM_001330368.2); c.*38+9014A>C (NM_001351110.2); short protein forms L2319W.
Identifiers: ClinVar variation 453653 (VCV000453653.11), dbSNP rs1555120049, ClinGen allele CA382557354.
Genomic context (GRCh38, chr11:108,326,206, plus strand): 5'-TCTGGGCAAAAAAGGAGCAGAGTCTTGCCCTGAGTATTCTCAAGCAAATGATCAAGAAGT[T>G]GGATGCCAGCTGTGCAGCGGTTTGTTTTTTTTATTGGCTGGATTAGTGTTTTACTGTTAT-3'
Protein context (NP_000042.3, residues 2309-2329): LSILKQMIKK[Leu2319Trp]DASCAANNPS